The following is an entry in ClinVar:

NM_001374736.1(DST):c.15788G>A (p.Ser5263Asn)

Gene: DST (dystonin; minus strand). Cytogenetic location: 6p12.1.
Variant type: single nucleotide variant.
Coding change: c.15788G>A on transcript NM_001374736.1 (MANE Select); coding-DNA position 15788, G replaced by A.
Protein change: p.Ser5263Asn; replaces serine 5263 with asparagine.
Molecular consequence: missense variant.
Genome position (GRCh38, 1-based): chr6:56,553,004, C>T on the plus strand (G>A on the coding strand, the complement: DST is on the minus strand). VCF-style: chr6-56553004-C-T. GRCh37 (hg19) VCF-style: chr6-56417802-C-T.
Other names: c.9431G>A, p.Ser3144Asn (NM_001144769.5); c.9017G>A, p.Ser3006Asn (NM_001144770.2); c.15788G>A, p.Ser5263Asn (NM_001374722.1); c.15155G>A, p.Ser5052Asn (NM_001374729.1); c.8897G>A, p.Ser2966Asn (NM_001374730.1, NM_183380.4); c.15815G>A, p.Ser5272Asn (NM_001374734.1); c.7919G>A, p.Ser2640Asn (NM_015548.5); short protein forms S2966N, S3144N, S5272N, S5052N, S2640N, S3006N, S5263N.
Identifiers: ClinVar variation 971931 (VCV000971931.15), dbSNP rs374575683, ClinGen allele CA3867769.

ClinVar aggregate classification (germline): Conflicting classifications of pathogenicity. Review status: criteria provided, conflicting classifications (1 of 4 stars). 5 submissions from 5 submitters: Uncertain significance (4); Likely benign (1). Last evaluated 2026-04-14.

Conditions:
DST-related disorder. Also called: DST-related condition; DST-related disorders.
Inborn genetic diseases. Identifiers: MedGen C0950123, MeSH D030342.
Epidermolysis bullosa simplex 3, localized or generalized intermediate, with BP230 deficiency (EBS3). Also called: Epidermolysis bullosa simplex, autosomal recessive 2; Epidermolysis bullosa simplex due to BP230 deficiency. Identifiers: Orphanet 412181, MedGen C3809470, MONDO:0014180, OMIM 615425.
Hereditary sensory and autonomic neuropathy type 6. Also called: HSAN VI; Neuropathy, hereditary sensory and autonomic, type VI. Identifiers: Orphanet 314381, MedGen C3539003, MONDO:0013839, OMIM 614653.

Allele frequency attached by ClinVar (database versions not stated): TOPMed 0.00019; gnomAD 0.00023 and 0.00024; ESP Exome Variant Server 0.00042.

Submissions (5):

PreventionGenetics, part of Exact Sciences
Classification: Uncertain significance for DST-related condition. Last evaluated: 2026-04-14. Review status: criteria provided, single submitter. Criteria: ACMG Guidelines, 2015. Collection method: clinical testing. Allele origin: germline.
Comment: The DST c.9431G>A variant is predicted to result in the amino acid substitution p.Ser3144Asn. To our knowledge, this variant has not been reported in the literature. This variant is reported in 0.084% of alleles in individuals of European (Finnish) descent in gnomAD. Although we suspect that this variant may be benign, at this time, the clinical significance of this variant is uncertain due to the absence of conclusive functional and genetic evidence.

Ambry Genetics
Classification: Likely benign for Inborn genetic diseases. Last evaluated: 2024-01-02. Review status: criteria provided, single submitter. Criteria: Ambry Variant Classification Scheme 2023. Collection method: clinical testing. Allele origin: germline.

Blueprint Genetics
Classification: Uncertain significance. Last evaluated: 2023-12-04. Review status: criteria provided, single submitter. Criteria: ACMG Guidelines, 2015. Collection method: clinical testing. Allele origin: germline.

Labcorp Genetics (formerly Invitae), Labcorp
Classification: Uncertain significance for Epidermolysis bullosa simplex 3, localized or generalized intermediate, with BP230 deficiency; Hereditary sensory and autonomic neuropathy type 6. Last evaluated: 2022-10-13. Review status: criteria provided, single submitter. Criteria: Invitae Variant Classification Sherloc (09022015). Collection method: clinical testing. Allele origin: germline.
Comment: The DST gene has multiple clinically relevant transcripts. This variant occurs in alternate transcript NM_015548.4, and corresponds to NM_001723.5:c.*62513G>A in the primary transcript. This sequence change replaces serine, which is neutral and polar, with asparagine, which is neutral and polar, at codon 2640 of the DST protein (p.Ser2640Asn). This variant is present in population databases (rs374575683, gnomAD 0.08%). This variant has not been reported in the literature in individuals affected with DST-related conditions. ClinVar contains an entry for this variant (Variation ID: 971931). Experimental studies and prediction algorithms are not available or were not evaluated, and the functional significance of this variant is currently unknown. In summary, the available evidence is currently insufficient to determine the role of this variant in disease. Therefore, it has been classified as a Variant of Uncertain Significance.

Mayo Clinic Laboratories, Mayo Clinic
Classification: Uncertain significance. Last evaluated: 2019-12-12. Review status: criteria provided, single submitter. Criteria: ACMG Guidelines, 2015. Collection method: clinical testing. Allele origin: germline. Observed: 1 variant allele.